The following is an entry in ClinVar:

ClinVar aggregate classification (germline): Uncertain significance (1 of 4 stars; one submission).

Conditions:
Hajdu-Cheney syndrome (HJCYS). Also called: Acroosteolysis dominant type; SERPENTINE FIBULA-POLYCYSTIC KIDNEY SYNDROME; ACROOSTEOLYSIS WITH OSTEOPOROSIS AND CHANGES IN SKULL AND MANDIBLE. Identifiers: Orphanet 955, MedGen C0917715, MONDO:0007057, OMIM 102500.

gnomAD v4.1: 1 of 1,614,134 alleles (0.000062%); highest among the groups gnomAD compares: Admixed American, 0.0017%; no homozygotes.

Submission:

Labcorp Genetics (formerly Invitae), Labcorp
Classification: Uncertain significance for Hajdu-Cheney syndrome. Last evaluated: 2025-10-14. Review status: criteria provided, single submitter. Criteria: Invitae Variant Classification Sherloc (09022015). Collection method: clinical testing. Allele origin: germline.
Comment: This sequence change replaces isoleucine, which is neutral and non-polar, with threonine, which is neutral and polar, at codon 707 of the NOTCH2 protein (p.Ile707Thr). This variant is present in population databases (rs782492846, gnomAD 0.003%). This variant has not been reported in the literature in individuals affected with NOTCH2-related conditions. Invitae Evidence Modeling of protein sequence and biophysical properties (such as structural, functional, and spatial information, amino acid conservation, physicochemical variation, residue mobility, and thermodynamic stability) indicates that this missense variant is not expected to disrupt NOTCH2 protein function with a negative predictive value of 80%. In summary, the available evidence is currently insufficient to determine the role of this variant in disease. Therefore, it has been classified as a Variant of Uncertain Significance.

NM_024408.4(NOTCH2):c.2120T>C (p.Ile707Thr)

Gene: NOTCH2 (notch receptor 2; minus strand). Cytogenetic location: 1p12.
Variant type: single nucleotide variant.
Coding change: c.2120T>C on transcript NM_024408.4 (MANE Select); coding-DNA position 2120, T replaced by C.
Protein change: p.Ile707Thr; replaces isoleucine 707 with threonine.
Molecular consequence: missense variant.
Genome position (GRCh38, 1-based): chr1:119,955,139, A>G on the plus strand (T>C on the coding strand, the complement: NOTCH2 is on the minus strand). VCF-style: chr1-119955139-A-G. GRCh37 (hg19) VCF-style: chr1-120497762-A-G.
Other names: c.2120T>C, p.Ile707Thr (NM_001200001.2); short protein forms I707T.
Identifiers: ClinVar variation 4806262 (VCV004806262.1).